The following is an entry in ClinVar:

NM_004115.4(FGF14):c.518T>G (p.Leu173Trp)

Gene: FGF14 (fibroblast growth factor 14; minus strand). Cytogenetic location: 13q33.1.
Variant type: single nucleotide variant.
Coding change: c.518T>G on transcript NM_004115.4 (MANE Select); coding-DNA position 518, T replaced by G.
Protein change: p.Leu173Trp; replaces leucine 173 with tryptophan.
Molecular consequence: missense variant.
Genome position (GRCh38, 1-based): chr13:101,726,701, A>C on the plus strand (T>G on the coding strand, the complement: FGF14 is on the minus strand). VCF-style: chr13-101726701-A-C. GRCh37 (hg19) VCF-style: chr13-102379051-A-C.
Other names: c.518T>G (NM_004115.3); c.266T>G, p.Leu89Trp (NM_001321931.1, NM_001321934.1, NM_001321935.1 and 4 more transcripts); c.329T>G, p.Leu110Trp (NM_001321932.1, NM_001321936.1, NM_001321944.1); c.338T>G, p.Leu113Trp (NM_001321933.1, NM_001321938.2, NM_001321940.1); c.422T>G, p.Leu141Trp (NM_001321939.2); c.332T>G, p.Leu111Trp (NM_001321941.2); c.416T>G, p.Leu139Trp (NM_001321945.2, NM_001321948.2, NM_001379342.1); c.377T>G, p.Leu126Trp (NM_001321947.2); and 1 more; short protein forms L126W, L141W, L173W, L111W, L113W, L139W, L178W, L110W.
Identifiers: ClinVar variation 4744125 (VCV004744125.2).

ClinVar aggregate classification (germline): Uncertain significance. Review status: criteria provided, multiple submitters, no conflicts (2 of 4 stars). 2 submissions from 2 submitters: Uncertain significance (2). Last evaluated 2026-05-23.

Conditions:
Inborn genetic diseases. Identifiers: MedGen C0950123, MeSH D030342.

Submissions (2):

Ambry Genetics
Classification: Uncertain significance for Inborn genetic diseases. Last evaluated: 2026-05-23. Review status: criteria provided, single submitter. Criteria: Ambry Variant Classification Scheme 2023. Collection method: clinical testing. Allele origin: germline.

Labcorp Genetics (formerly Invitae), Labcorp
Classification: Uncertain significance. Last evaluated: 2025-02-06. Review status: criteria provided, single submitter. Criteria: Invitae Variant Classification Sherloc (09022015). Collection method: clinical testing. Allele origin: germline.
Comment: This sequence change replaces leucine, which is neutral and non-polar, with tryptophan, which is neutral and slightly polar, at codon 173 of the FGF14 protein (p.Leu173Trp). This variant is not present in population databases (gnomAD no frequency). This variant has not been reported in the literature in individuals affected with FGF14-related conditions. Invitae Evidence Modeling of protein sequence and biophysical properties (such as structural, functional, and spatial information, amino acid conservation, physicochemical variation, residue mobility, and thermodynamic stability) indicates that this missense variant is expected to disrupt FGF14 protein function with a positive predictive value of 80%. In summary, the available evidence is currently insufficient to determine the role of this variant in disease. Therefore, it has been classified as a Variant of Uncertain Significance.